The following is an entry in ClinVar:

ClinVar aggregate classification (germline): Uncertain significance. Review status: criteria provided, multiple submitters, no conflicts (2 of 4 stars). 3 submissions from 3 submitters: Uncertain significance (3). Last evaluated 2024-05-16.

Conditions:
Fanconi anemia (FA). Also called: Fanconi's anemia. Identifiers: Orphanet 84, MedGen C0015625, MeSH D005199, MONDO:0019391.
Fanconi anemia complementation group F. Also called: FANCF-Related Fanconi Anemia. Identifiers: Orphanet 84, MedGen C3469526, MONDO:0011325, OMIM 603467.

Submissions (3):

Fulgent Genetics
Classification: Uncertain significance for Fanconi anemia complementation group F. Last evaluated: 2024-05-16. Review status: criteria provided, single submitter. Criteria: ACMG Guidelines, 2015. Collection method: clinical testing. Allele origin: germline.

Labcorp Genetics (formerly Invitae), Labcorp
Classification: Uncertain significance for Fanconi anemia. Last evaluated: 2022-09-12. Review status: criteria provided, single submitter. Criteria: Invitae Variant Classification Sherloc (09022015). Collection method: clinical testing. Allele origin: germline.
Comment: Advanced modeling of protein sequence and biophysical properties (such as structural, functional, and spatial information, amino acid conservation, physicochemical variation, residue mobility, and thermodynamic stability) performed at Invitae indicates that this missense variant is not expected to disrupt FANCF protein function. In summary, the available evidence is currently insufficient to determine the role of this variant in disease. Therefore, it has been classified as a Variant of Uncertain Significance. ClinVar contains an entry for this variant (Variation ID: 1691927). This sequence change replaces proline, which is neutral and non-polar, with serine, which is neutral and polar, at codon 230 of the FANCF protein (p.Pro230Ser). This variant is not present in population databases (gnomAD no frequency). This variant has not been reported in the literature in individuals affected with FANCF-related conditions.

Sema4
Classification: Uncertain significance for Fanconi anemia. Last evaluated: 2021-08-10. Review status: criteria provided, single submitter. Criteria: Sema4 Curation Guidelines. Collection method: curation. Allele origin: germline.
Comment: The FANCF c.688C>T (p.P230S) variant has not been reported in the literature to our knowledge. It was not observed in the large and broad cohorts of the Genome Aggregation Database, nor has it been reported in ClinVar. In silico tools suggest the impact of the variant on protein function is benign, though these predictions have not been confirmed by functional studies. The evidence is insufficient to meet ACMG/AMP criteria for classifying the variant as benign or pathogenic. Thus, the clinical significance of this variant is currently uncertain.

NM_022725.4(FANCF):c.688C>T (p.Pro230Ser)

Gene: FANCF (FA complementation group F; minus strand). Cytogenetic location: 11p14.3.
Variant type: single nucleotide variant.
Coding change: c.688C>T on transcript NM_022725.4 (MANE Select); coding-DNA position 688, C replaced by T.
Protein change: p.Pro230Ser; replaces proline 230 with serine.
Molecular consequence: missense variant.
Genome position (GRCh38, 1-based): chr11:22,625,123, G>A on the plus strand (C>T on the coding strand, the complement: FANCF is on the minus strand). VCF-style: chr11-22625123-G-A. GRCh37 (hg19) VCF-style: chr11-22646669-G-A.
Other names: short protein forms P230S.
Identifiers: ClinVar variation 1691927 (VCV001691927.7), dbSNP rs773724648, ClinGen allele CA380058531.
Genomic context (GRCh38, chr11:22,625,123, plus strand): 5'-CAGCAAAGACTTCCGAATTCCCCAGAAGCCAGTGGACTAGCACTTGGCTCCCCTCTCCAG[G>A]TGATTTGTGGATGCCGGGTTCCAACTCTTCTTGGGGCCGACGAGACAAAGGCGGCTGCAA-3'
Protein context (NP_073562.1, residues 220-240): EELEPGIHKS[Pro230Ser]GEGSQVLVHW